The following is an entry in ClinVar:

ClinVar aggregate classification (germline): Pathogenic (1 of 4 stars; one submission).

Submission:

Labcorp Genetics (formerly Invitae), Labcorp
Classification: Pathogenic. Last evaluated: 2023-09-20. Review status: criteria provided, single submitter. Criteria: Invitae Variant Classification Sherloc (09022015). Collection method: clinical testing. Allele origin: germline.
Comment: For these reasons, this variant has been classified as Pathogenic. This premature translational stop signal has been observed in individual(s) with deafness (PMID: 26969326). This variant is not present in population databases (gnomAD no frequency). This sequence change creates a premature translational stop signal (p.Gln39*) in the TMPRSS3 gene. It is expected to result in an absent or disrupted protein product. Loss-of-function variants in TMPRSS3 are known to be pathogenic (PMID: 16021470, 26969326).

Literature cited by the submitters: PubMed 26969326; PubMed 16021470.

NM_001256317.3(TMPRSS3):c.115C>T (p.Gln39Ter)

Gene: TMPRSS3 (transmembrane serine protease 3; minus strand). Cytogenetic location: 21q22.3.
Variant type: single nucleotide variant.
Coding change: c.115C>T on transcript NM_001256317.3 (MANE Select); coding-DNA position 115, C replaced by T.
Protein change: p.Gln39Ter; replaces glutamine 39 with a stop codon.
Molecular consequence: nonsense.
Genome position (GRCh38, 1-based): chr21:42,390,017, G>A on the plus strand (C>T on the coding strand, the complement: TMPRSS3 is on the minus strand). VCF-style: chr21-42390017-G-A. GRCh37 (hg19) VCF-style: chr21-43810126-G-A.
Other names: c.115C>T, p.Gln39Ter (NM_024022.4, NM_032405.2); short protein forms Q39*.
Identifiers: ClinVar variation 2736997 (VCV002736997.3), dbSNP rs2052708500, ClinGen allele CA410376001.
Genomic context (GRCh38, chr21:42,390,017, plus strand): 5'-ATGCAATGATCCCAATGACGATGATTGGAAAAAACTTCAATGGCAGCAGTGACAGGATCT[G>A]TGCAGCAACAGCATCTGCATCTGAAAACCAGAAAAAGGAAGAGCAGAAAGCCACAGAACC-3'